The following is an entry in ClinVar:

ClinVar aggregate classification (germline): Likely benign (1 of 4 stars; one submission).

Allele frequency attached by ClinVar (database versions not stated): ExAC 0.00012; gnomAD 0.00012; gnomAD exomes 0.00012; TOPMed 0.00012; ESP Exome Variant Server 0.00015; 1000 Genomes Project 30x 0.00016; 1000 Genomes Project 0.00020.
gnomAD v4.1: 184 of 1,614,160 alleles (0.011%); highest among the groups gnomAD compares: Non-Finnish European, 0.014%; no homozygotes.

Submission:

CeGaT Center for Human Genetics Tuebingen
Classification: Likely benign. Last evaluated: 2023-04-01. Review status: criteria provided, single submitter. Criteria: CeGaT Center For Human Genetics Tuebingen Variant Classification Criteria Version 2. Collection method: clinical testing. Allele origin: germline. Affected: yes. Observed: 1 variant allele.
Comment: CRMP1: BP4, BP7

NM_001014809.3(CRMP1):c.1368G>A (p.Ala456=)

Gene: CRMP1 (collapsin response mediator protein 1; minus strand). Cytogenetic location: 4p16.2.
Variant type: single nucleotide variant.
Coding change: c.1368G>A on transcript NM_001014809.3 (MANE Select); coding-DNA position 1368, G replaced by A.
Protein change: p.Ala456=; no amino-acid change (alanine 456 retained).
Molecular consequence: synonymous variant.
Genome position (GRCh38, 1-based): chr4:5,836,849, C>T on the plus strand (G>A on the coding strand, the complement: CRMP1 is on the minus strand). VCF-style: chr4-5836849-C-T. GRCh37 (hg19) VCF-style: chr4-5838576-C-T.
Other names: c.1020G>A, p.Ala340= (NM_001288661.2); c.1008G>A, p.Ala336= (NM_001288662.1); c.1026G>A, p.Ala342= (NM_001313.5).
Identifiers: ClinVar variation 2654613 (VCV002654613.24), dbSNP rs146254380, ClinGen allele CA2837068.